The following is an entry in ClinVar:

ClinVar aggregate classification (germline): Uncertain significance. Review status: criteria provided, single submitter (1 of 4 stars). 2 submissions from 2 submitters: Uncertain significance (1). 1 of the submissions does not count toward it. Last evaluated 2024-03-31.

Conditions:
Inborn genetic diseases. Identifiers: MedGen C0950123, MeSH D030342.
SH3BP2-related disorder. Also called: SH3BP2-related condition.

Allele frequency attached by ClinVar (database versions not stated): gnomAD 0.00008.
gnomAD v4.1: 20 of 1,013,914 alleles (0.002%); highest among the groups gnomAD compares: African/African-American, 0.024%; no homozygotes.

Submissions (2):

Ambry Genetics
Classification: Uncertain significance for Inborn genetic diseases. Last evaluated: 2024-03-31. Review status: criteria provided, single submitter. Criteria: Ambry Variant Classification Scheme 2023. Collection method: clinical testing. Allele origin: germline.

PreventionGenetics, part of Exact Sciences
Classification: Uncertain significance for SH3BP2-related condition. Last evaluated: 2024-01-02. Review status: no assertion criteria provided. Collection method: clinical testing. Allele origin: germline. Not counted in ClinVar's aggregate classification.
Comment: The SH3BP2 c.47C>T variant is predicted to result in the amino acid substitution p.Ala16Val. To our knowledge, this variant has not been reported in the literature or in a large population database, indicating this variant is rare. At this time, the clinical significance of this variant is uncertain due to the absence of conclusive functional and genetic evidence.

NM_001122681.2(SH3BP2):c.-4-2344C>T

Gene: SH3BP2 (SH3 domain binding protein 2; plus strand). Cytogenetic location: 4p16.3.
Variant type: single nucleotide variant.
Coding change: c.-4-2344C>T on transcript NM_001122681.2 (MANE Select); 2344 bases into the intron before 4 bases upstream of the start codon, C replaced by T.
Molecular consequence: intron variant. On other transcripts: missense variant (1).
Genome position (GRCh38, 1-based): chr4:2,818,270, C>T. VCF-style: chr4-2818270-C-T. GRCh37 (hg19) VCF-style: chr4-2819997-C-T.
Other names: c.47C>T, p.Ala16Val (NM_001145856.2); c.81-2344C>T (NM_001145855.2); short protein forms A16V.
Identifiers: ClinVar variation 3044612 (VCV003044612.3), dbSNP rs868817457, ClinGen allele CA91402498.